The following is an entry in ClinVar:

NM_000038.6(APC):c.3557A>G (p.Asp1186Gly)

Gene: APC (APC regulator of Wnt signaling pathway; plus strand). Cytogenetic location: 5q22.2.
Variant type: single nucleotide variant.
Coding change: c.3557A>G on transcript NM_000038.6 (MANE Select); coding-DNA position 3557, A replaced by G.
Protein change: p.Asp1186Gly; replaces aspartic acid 1186 with glycine.
Molecular consequence: missense variant.
Genome position (GRCh38, 1-based): chr5:112,839,151, A>G. VCF-style: chr5-112839151-A-G. GRCh37 (hg19) VCF-style: chr5-112174848-A-G.
Other names: c.3557A>G, p.Asp1186Gly (NM_001127510.3, NM_001354895.2); c.3503A>G, p.Asp1168Gly (NM_001127511.3); c.3611A>G, p.Asp1204Gly (NM_001354896.2); c.3587A>G, p.Asp1196Gly (NM_001354897.2); c.3482A>G, p.Asp1161Gly (NM_001354898.2); c.3473A>G, p.Asp1158Gly (NM_001354899.2); c.3434A>G, p.Asp1145Gly (NM_001354900.2); c.3380A>G, p.Asp1127Gly (NM_001354901.2); and 5 more; short protein forms D1168G, D1186G, D1026G, D1095G, D1158G, D1161G, D1060G, D1145G.
Identifiers: ClinVar variation 411380 (VCV000411380.56), dbSNP rs1060503280, ClinGen allele CA16029148.

ClinVar aggregate classification (germline): Uncertain significance. Review status: criteria provided, multiple submitters, no conflicts (2 of 4 stars). 3 submissions from 3 submitters: Uncertain significance (3). Last evaluated 2025-12-03.

Conditions:
Familial adenomatous polyposis 1 (FAP1). Also called: FAMILIAL ADENOMATOUS POLYPOSIS 1, ATTENUATED; POLYPOSIS, ADENOMATOUS INTESTINAL. Identifiers: MedGen C2713442, MONDO:0021056, OMIM 175100. Disease mechanism: loss of function.
Hereditary cancer-predisposing syndrome. Also called: Tumor predisposition; Hereditary Cancer Syndrome; Hereditary neoplastic syndrome; Neoplastic Syndromes, Hereditary. Identifiers: Orphanet 140162, MedGen C0027672, MeSH D009386, MONDO:0015356.

Submissions (3):

Ambry Genetics
Classification: Uncertain significance for Hereditary cancer-predisposing syndrome. Last evaluated: 2025-12-03. Review status: criteria provided, single submitter. Criteria: Ambry Variant Classification Scheme 2023. Collection method: clinical testing. Allele origin: germline.
Comment: The p.D1186G variant (also known as c.3557A>G), located in coding exon 15 of the APC gene, results from an A to G substitution at nucleotide position 3557. The aspartic acid at codon 1186 is replaced by glycine, an amino acid with similar properties. This amino acid position is not well conserved in available vertebrate species. In addition, in silico predictors for this gene do not accurately predict pathogenicity. Missense variants in APC are not a common cause of disease (Spier I et al. Genet Med. 2024 Feb;26(2):100992). Based on the available evidence, the clinical significance of this variant remains unclear.

Labcorp Genetics (formerly Invitae), Labcorp
Classification: Uncertain significance for Familial adenomatous polyposis 1. Last evaluated: 2025-10-27. Review status: criteria provided, single submitter. Criteria: Invitae Variant Classification Sherloc (09022015). Collection method: clinical testing. Allele origin: germline.
Comment: This sequence change replaces aspartic acid, which is acidic and polar, with glycine, which is neutral and non-polar, at codon 1186 of the APC protein (p.Asp1186Gly). This variant is not present in population databases (gnomAD no frequency). This variant has not been reported in the literature in individuals affected with APC-related conditions. ClinVar contains an entry for this variant (Variation ID: 411380). Invitae Evidence Modeling of protein sequence and biophysical properties (such as structural, functional, and spatial information, amino acid conservation, physicochemical variation, residue mobility, and thermodynamic stability) indicates that this missense variant is not expected to disrupt APC protein function with a negative predictive value of 95%. In summary, the available evidence is currently insufficient to determine the role of this variant in disease. Therefore, it has been classified as a Variant of Uncertain Significance.

Color Diagnostics, LLC DBA Color Health
Classification: Uncertain significance for Hereditary cancer-predisposing syndrome. Last evaluated: 2024-03-06. Review status: criteria provided, single submitter. Criteria: ACMG Guidelines, 2015. Collection method: clinical testing. Allele origin: germline.
Comment: This missense variant replaces aspartic acid with glycine at codon 1186 of the APC protein. Computational prediction suggests that this variant may not impact protein structure and function (internally defined REVEL score threshold <= 0.5, PMID: 27666373). To our knowledge, functional studies have not been reported for this variant. This variant has not been reported in individuals affected with hereditary cancer in the literature. This variant has not been identified in the general population by the Genome Aggregation Database (gnomAD). The available evidence is insufficient to determine the role of this variant in disease conclusively. Therefore, this variant is classified as a Variant of Uncertain Significance.